The following is an entry in ClinVar:

NM_001077365.2(POMT1):c.501G>A (p.Val167=)

Gene: POMT1 (protein O-mannosyltransferase 1; plus strand). Cytogenetic location: 9q34.13.
Variant type: single nucleotide variant.
Coding change: c.501G>A on transcript NM_001077365.2 (MANE Select); coding-DNA position 501, G replaced by A.
Protein change: p.Val167=; no amino-acid change (valine 167 retained).
Molecular consequence: synonymous variant. On other transcripts: non-coding transcript variant (8).
Genome position (GRCh38, 1-based): chr9:131,508,984, G>A. VCF-style: chr9-131508984-G-A. GRCh37 (hg19) VCF-style: chr9-134384371-G-A.
Other names: c.339G>A, p.Val113= (NM_001077366.2, NM_001353194.2, NM_001353197.2 and 3 more transcripts); c.501G>A, p.Val167= (NM_001136113.2, NM_001353193.2, NM_001374690.1 and 1 more transcripts); c.150G>A, p.Val50= (NM_001136114.2, NM_001353195.2, NM_001353199.2 and 2 more transcripts); c.411G>A, p.Val137= (NM_001353196.2); c.45G>A, p.Val15= (NM_001353200.2, NM_001374695.1).
Identifiers: ClinVar variation 511066 (VCV000511066.1), dbSNP rs757051194, ClinGen allele CA5293292.

ClinVar aggregate classification (germline): Likely benign (1 of 4 stars; one submission).

Allele frequency attached by ClinVar (database versions not stated): gnomAD exomes 0.00001; TOPMed below 0.00001; ExAC 0.00001.
gnomAD v4.1: 7 of 1,613,932 alleles (0.00043%); highest among the groups gnomAD compares: Non-Finnish European, 0.00059%; no homozygotes.

Submission:

GeneDx
Classification: Likely benign. Last evaluated: 2017-07-24. Review status: criteria provided, single submitter. Criteria: GeneDx Variant Classification (06012015). Collection method: clinical testing. Allele origin: germline. Affected: yes.
Comment: This variant is considered likely benign or benign based on one or more of the following criteria: it is a conservative change, it occurs at a poorly conserved position in the protein, it is predicted to be benign by multiple in silico algorithms, and/or has population frequency not consistent with disease.